The following is an entry in ClinVar:

NM_000073.3(CD3G):c.136T>C (p.Cys46Arg)

Genes: CD3G (CD3 gamma subunit of T-cell receptor complex; plus strand), LOC126861358 (BRD4-independent group 4 enhancer GRCh37_chr11:118220212-118221411; plus strand). Cytogenetic location: 11q23.3.
Variant type: single nucleotide variant.
Coding change: c.136T>C on transcript NM_000073.3 (MANE Select); coding-DNA position 136, T replaced by C.
Protein change: p.Cys46Arg; replaces cysteine 46 with arginine.
Molecular consequence: missense variant.
Genome position (GRCh38, 1-based): chr11:118,349,799, T>C. VCF-style: chr11-118349799-T-C. GRCh37 (hg19) VCF-style: chr11-118220514-T-C.
Other names: short protein forms C46R.
Identifiers: ClinVar variation 2113843 (VCV002113843.4), dbSNP rs2496897705, ClinGen allele CA382792339.

ClinVar aggregate classification (germline): Uncertain significance (1 of 4 stars; one submission).

Conditions:
Combined immunodeficiency due to CD3gamma deficiency. Also called: CD3-GAMMA DEFICIENCY; SCID-LIKE IMMUNODEFICIENCY, T CELL-PARTIAL, B CELL-POSITIVE, NK CELL-POSITIVE; Immunodeficiency 17; Immunodeficiency 17, CD3 gamma deficient. Identifiers: Orphanet 169082, MedGen C3810107, MONDO:0014276, OMIM 615607.

Submission:

Labcorp Genetics (formerly Invitae), Labcorp
Classification: Uncertain significance for Combined immunodeficiency due to CD3gamma deficiency. Last evaluated: 2024-10-07. Review status: criteria provided, single submitter. Criteria: Invitae Variant Classification Sherloc (09022015). Collection method: clinical testing. Allele origin: germline.
Comment: This sequence change replaces cysteine, which is neutral and slightly polar, with arginine, which is basic and polar, at codon 46 of the CD3G protein (p.Cys46Arg). This variant is not present in population databases (gnomAD no frequency). This variant has not been reported in the literature in individuals affected with CD3G-related conditions. ClinVar contains an entry for this variant (Variation ID: 2113843). An algorithm developed to predict the effect of missense changes on protein structure and function (PolyPhen-2) suggests that this variant is likely to be disruptive. In summary, the available evidence is currently insufficient to determine the role of this variant in disease. Therefore, it has been classified as a Variant of Uncertain Significance.